The following is an entry in ClinVar:

NM_001034853.2(RPGR):c.193G>T (p.Gly65Cys)

Gene: RPGR (retinitis pigmentosa GTPase regulator; minus strand). Cytogenetic location: Xp11.4.
Variant type: single nucleotide variant.
Coding change: c.193G>T on transcript NM_001034853.2 (MANE Select); coding-DNA position 193, G replaced by T.
Protein change: p.Gly65Cys; replaces glycine 65 with cysteine.
Molecular consequence: missense variant. On other transcripts: non-coding transcript variant (6).
Genome position (GRCh38, 1-based): chrX:38,322,907, C>A on the plus strand (G>T on the coding strand, the complement: RPGR is on the minus strand). VCF-style: chrX-38322907-C-A. GRCh37 (hg19) VCF-style: chrX-38182160-C-A.
Other names: c.193G>T, p.Gly65Cys (NM_000328.3, NM_001367245.1, NM_001367246.1 and 4 more transcripts); c.223G>T, p.Gly75Cys (NM_001367248.1); short protein forms G75C, G65C.
Identifiers: ClinVar variation 2114718 (VCV002114718.4), dbSNP rs2067975926, ClinGen allele CA412745615.

ClinVar aggregate classification (germline): Uncertain significance (1 of 4 stars; one submission).

Conditions:
Primary ciliary dyskinesia. Also called: Ciliary dyskinesia. Identifiers: Orphanet 244, MedGen C0008780, MONDO:0016575, HP:0012265.

Submission:

Labcorp Genetics (formerly Invitae), Labcorp
Classification: Uncertain significance for Primary ciliary dyskinesia. Last evaluated: 2022-03-19. Review status: criteria provided, single submitter. Criteria: Invitae Variant Classification Sherloc (09022015). Collection method: clinical testing. Allele origin: germline.
Comment: Algorithms developed to predict the effect of missense changes on protein structure and function are either unavailable or do not agree on the potential impact of this missense change (SIFT: "Deleterious"; PolyPhen-2: "Probably Damaging"; Align-GVGD: "Class C0"). This missense change has been observed in individual(s) with retinitis pigmentosa (Invitae). This variant is not present in population databases (gnomAD no frequency). This sequence change replaces glycine, which is neutral and non-polar, with cysteine, which is neutral and slightly polar, at codon 65 of the RPGR protein (p.Gly65Cys). Algorithms developed to predict the effect of sequence changes on RNA splicing suggest that this variant may create or strengthen a splice site. In summary, the available evidence is currently insufficient to determine the role of this variant in disease. Therefore, it has been classified as a Variant of Uncertain Significance. This variant disrupts the p.Gly65 amino acid residue in RPGR. Other variant(s) that disrupt this residue have been determined to be pathogenic (PMID: 20861475, 23372056). This suggests that this residue is clinically significant, and that variants that disrupt this residue are likely to be disease-causing.

Literature cited by the submitters: PubMed 20861475; PubMed 23372056.